The following is an entry in ClinVar:

ClinVar aggregate classification (germline): Pathogenic/Likely pathogenic. Review status: criteria provided, multiple submitters, no conflicts (2 of 4 stars). 2 submissions from 2 submitters: Pathogenic (1); Likely pathogenic (1). Last evaluated 2025-05-15.

Conditions:
Xeroderma pigmentosum, group C (XPC). Also called: XERODERMA PIGMENTOSUM III; XP, GROUP C; XPC-Related Xeroderma Pigmentosum; Xeroderma pigmentosum, complementation group C. Identifiers: Orphanet 910, MedGen C2752147, MONDO:0010211, OMIM 278720.

Submissions (2):

Institute for Genomic Medicine (IGM) Clinical Laboratory, Nationwide Children's Hospital
Classification: Likely pathogenic for Xeroderma pigmentosum, group C. Last evaluated: 2025-05-15. Review status: criteria provided, single submitter. Criteria: ACMG Guidelines, 2015. Collection method: clinical testing. Allele origin: germline.
Comment: This variant is predicted to result in loss of function through nonsense-mediated decay of the encoded transcript or premature truncation of the encoded protein in a gene in which loss of function is a known mechanism of disease (ACMG/AMP: PVS1; PMIDs:10766188, 33672602). This variant is absent from or present at an exceedingly low frequency in gnomAD, a large-scale control population database (ACMG/AMP: PM2).

GeneDx
Classification: Pathogenic. Last evaluated: 2021-08-30. Review status: criteria provided, single submitter. Criteria: GeneDx Variant Classification Process June 2021. Collection method: clinical testing. Allele origin: germline. Affected: yes.
Comment: Frameshift variant predicted to result in protein truncation or nonsense mediated decay in a gene for which loss-of-function is a known mechanism of disease; Not observed at significant frequency in large population cohorts (Lek et al., 2016); Has not been previously published as pathogenic or benign to our knowledge

Literature cited by the submitters: PubMed 10766188 (cited by Institute for Genomic Medicine (IGM) Clinical Laboratory, Nationwide Children's Hospital); PubMed 33672602 (cited by Institute for Genomic Medicine (IGM) Clinical Laboratory, Nationwide Children's Hospital).

NM_004628.5(XPC):c.690dup (p.Ala231fs)

Gene: XPC (XPC complex subunit, DNA damage recognition and repair factor; minus strand). Cytogenetic location: 3p25.1.
Variant type: Duplication.
Coding change: c.690dup on transcript NM_004628.5 (MANE Select); coding-DNA position 690, one base duplicated (T; older notation c.690dupT).
Protein change: p.Ala231fs; shifts the reading frame from alanine 231.
Molecular consequence: frameshift variant. On other transcripts: non-coding transcript variant (2).
Genome position (GRCh38, 1-based): chr3:14,165,517, A duplicated on the plus strand (T on the coding strand, the reverse complement: XPC is on the minus strand). VCF-style (leftmost placement, unchanged base first): chr3-14165516-C-CA. GRCh37 (hg19) VCF-style: chr3-14207016-C-CA.
Other names: c.690dupT (NM_004628.4); c.111dup, p.Ala38fs (NM_001354726.2); c.690dup, p.Ala231fs (NM_001354727.2, NM_001354730.2); c.672dup, p.Ala225fs (NM_001354729.2); short protein forms A231fs, A225fs, A38fs.
Identifiers: ClinVar variation 452115 (VCV000452115.5), dbSNP rs1553606767, ClinGen allele CA658657278.